The following is an entry in ClinVar:

NM_000391.4(TPP1):c.590A>G (p.His197Arg)

Gene: TPP1 (tripeptidyl peptidase 1; minus strand). Cytogenetic location: 11p15.4.
Variant type: single nucleotide variant.
Coding change: c.590A>G on transcript NM_000391.4 (MANE Select); coding-DNA position 590, A replaced by G.
Protein change: p.His197Arg; replaces histidine 197 with arginine.
Molecular consequence: missense variant.
Genome position (GRCh38, 1-based): chr11:6,617,072, T>C on the plus strand (A>G on the coding strand, the complement: TPP1 is on the minus strand). VCF-style: chr11-6617072-T-C. GRCh37 (hg19) VCF-style: chr11-6638303-T-C.
Other names: short protein forms H197R.
Identifiers: ClinVar variation 1930321 (VCV001930321.4), dbSNP rs1429958002, ClinGen allele CA379475503.

ClinVar aggregate classification (germline): Uncertain significance (1 of 4 stars; one submission).

Submission:

Labcorp Genetics (formerly Invitae), Labcorp
Classification: Uncertain significance. Last evaluated: 2024-12-16. Review status: criteria provided, single submitter. Criteria: Invitae Variant Classification Sherloc (09022015). Collection method: clinical testing. Allele origin: germline.
Comment: This sequence change replaces histidine, which is basic and polar, with arginine, which is basic and polar, at codon 197 of the TPP1 protein (p.His197Arg). This variant is not present in population databases (gnomAD no frequency). This variant has not been reported in the literature in individuals affected with TPP1-related conditions. ClinVar contains an entry for this variant (Variation ID: 1930321). Invitae Evidence Modeling of protein sequence and biophysical properties (such as structural, functional, and spatial information, amino acid conservation, physicochemical variation, residue mobility, and thermodynamic stability) indicates that this missense variant is expected to disrupt TPP1 protein function with a positive predictive value of 95%. In summary, the available evidence is currently insufficient to determine the role of this variant in disease. Therefore, it has been classified as a Variant of Uncertain Significance.